The following is an entry in ClinVar:

ClinVar aggregate classification (germline): Uncertain significance (1 of 4 stars; one submission).

Allele frequency attached by ClinVar (database versions not stated): TOPMed below 0.00001; gnomAD 0.00001.
gnomAD v4.1: 9 of 1,613,870 alleles (0.00056%); highest among the groups gnomAD compares: East Asian, 0.0089%; no homozygotes.

Submission:

GeneDx
Classification: Uncertain significance. Last evaluated: 2023-08-07. Review status: criteria provided, single submitter. Criteria: GeneDx Variant Classification Process June 2021. Collection method: clinical testing. Allele origin: germline. Affected: yes.
Comment: In silico analysis supports that this missense variant has a deleterious effect on protein structure/function; In silico analysis is inconclusive as to whether the variant alters gene splicing. In the absence of RNA/functional studies, the actual effect of this sequence change is unknown.; Has not been previously published as pathogenic or benign to our knowledge

NM_139319.3(SLC17A8):c.1405G>A (p.Gly469Ser)

Gene: SLC17A8 (solute carrier family 17 member 8; plus strand). Cytogenetic location: 12q23.1.
Variant type: single nucleotide variant.
Coding change: c.1405G>A on transcript NM_139319.3 (MANE Select); coding-DNA position 1405, G replaced by A.
Protein change: p.Gly469Ser; replaces glycine 469 with serine.
Molecular consequence: missense variant.
Genome position (GRCh38, 1-based): chr12:100,418,136, G>A. VCF-style: chr12-100418136-G-A. GRCh37 (hg19) VCF-style: chr12-100811914-G-A.
Other names: c.1255G>A, p.Gly419Ser (NM_001145288.2); short protein forms G419S, G469S.
Identifiers: ClinVar variation 3252441 (VCV003252441.1), dbSNP rs747411001.
Genomic context (GRCh38, chr12:100,418,136, plus strand): 5'-CTCATGGGGATCTCAAACGGAGTGGGAACCCTCTCTGGAATGGTCTGTCCCCTCATTGTC[G>A]GTGCAATGACCAGGCACAAGGTAAAGGTCTCCTTTGTGGCTATGGGTTACAATATCAGAG-3'
Protein context (NP_647480.1, residues 459-479): LSGMVCPLIV[Gly469Ser]AMTRHKTREE